The following is an entry in ClinVar:

NM_002474.3(MYH11):c.244C>T (p.Pro82Ser)

Gene: MYH11 (myosin heavy chain 11; minus strand). Cytogenetic location: 16p13.11.
Variant type: single nucleotide variant.
Coding change: c.244C>T on transcript NM_002474.3 (MANE Select); coding-DNA position 244, C replaced by T.
Protein change: p.Pro82Ser; replaces proline 82 with serine.
Molecular consequence: missense variant.
Genome position (GRCh38, 1-based): chr16:15,838,009, G>A on the plus strand (C>T on the coding strand, the complement: MYH11 is on the minus strand). VCF-style: chr16-15838009-G-A. GRCh37 (hg19) VCF-style: chr16-15931866-G-A.
Other names: c.244C>T, p.Pro82Ser (NM_001040113.2, NM_001040114.2, NM_022844.3); short protein forms P82S.
Identifiers: ClinVar variation 2448083 (VCV002448083.3), dbSNP rs1431217461, ClinGen allele CA395198356.

ClinVar aggregate classification (germline): Uncertain significance. Review status: criteria provided, multiple submitters, no conflicts (2 of 4 stars). 2 submissions from 2 submitters: Uncertain significance (2). Last evaluated 2025-07-25.

Conditions:
Familial thoracic aortic aneurysm and aortic dissection (TAAD). Also called: Thoracic aortic aneurysms and dissections. Identifiers: Orphanet 91387, MedGen C4707243, MONDO:0019625.

Allele frequency attached by ClinVar (database versions not stated): TOPMed below 0.00001.
gnomAD v4.1: 4 of 1,614,034 alleles (0.00025%); highest among the groups gnomAD compares: Non-Finnish European, 0.00017%; no homozygotes.

Submissions (2):

Color Diagnostics, LLC DBA Color Health
Classification: Uncertain significance for Familial thoracic aortic aneurysm and aortic dissection. Last evaluated: 2025-07-25. Review status: criteria provided, single submitter. Criteria: ACMG Guidelines, 2015. Collection method: clinical testing. Allele origin: germline.
Comment: This missense variant replaces proline with serine at codon 82 of the MYH11 protein. Computational prediction is inconclusive regarding the impact of this variant on protein structure and function. To our knowledge, functional studies have not been reported for this variant. This variant has not been reported in individuals affected with MYH11-related disorders in the literature. This variant has been identified in 1/31378 chromosomes in the general population by the Genome Aggregation Database (gnomAD). The available evidence is insufficient to determine the role of this variant in disease conclusively. Therefore, this variant is classified as a Variant of Uncertain Significance.

Ambry Genetics
Classification: Uncertain significance for Familial thoracic aortic aneurysm and aortic dissection. Last evaluated: 2023-01-22. Review status: criteria provided, single submitter. Criteria: Ambry Variant Classification Scheme 2023. Collection method: clinical testing. Allele origin: germline.
Comment: The p.P82S variant (also known as c.244C>T), located in coding exon 1 of the MYH11 gene, results from a C to T substitution at nucleotide position 244. The proline at codon 82 is replaced by serine, an amino acid with similar properties. This amino acid position is conserved. In addition, the in silico prediction for this alteration is inconclusive. Since supporting evidence is limited at this time, the clinical significance of this alteration remains unclear.